The following is an entry in ClinVar:

ClinVar aggregate classification (germline): Likely pathogenic (0 of 4 stars; one submission).

Conditions:
Factor XIII, A subunit, deficiency of. Also called: Factor XIII subunit A deficiency. Identifiers: Orphanet 331, MedGen C2750514, MONDO:0013187, OMIM 613225, HP:0040233.

Submission:

Rady Children's Institute for Genomic Medicine, Rady Children's Hospital San Diego
Classification: Likely pathogenic for Factor XIII, A subunit, deficiency of. Last evaluated: 2018-05-16. Review status: no assertion criteria provided. Collection method: clinical testing. Allele origin: germline. Inheritance: Autosomal recessive inheritance. Affected: yes. Observed: 1 homozygote.
Comment: This frameshifting variant in exon 11 of 15 introduces a premature stop codon and is therefore predicted to result in loss of normal protein function. This variant has not been previously reported or functionally characterized in the literature to our knowledge. However, numerous frameshifting variants downstream of the p.His451ArgfsTer29 variant have been reported in the Human Gene Mutation Database (HGMD) (PMID:28520207). It is absent from the ExAC and gnomAD population databases and thus is presumed to be rare. Based on the available evidence, the c.1352_1353delAT (p.His451ArgfsTer29) variant is classified as likely pathogenic.

NM_000129.4(F13A1):c.1352_1353del (p.His451fs)

Gene: F13A1 (coagulation factor XIII A chain; minus strand). Cytogenetic location: 6p25.1.
Variant type: Deletion.
Coding change: c.1352_1353del on transcript NM_000129.4 (MANE Select); coding-DNA positions 1352 to 1353, 2 bases deleted (AT; older notation c.1352_1353delAT).
Protein change: p.His451fs; shifts the reading frame from histidine 451.
Molecular consequence: frameshift variant.
Genome position (GRCh38, 1-based): chr6:6,182,094-6,182,095, AT deleted on the plus strand (AT on the coding strand, the reverse complement: F13A1 is on the minus strand). VCF-style (leftmost placement, unchanged base first): chr6-6182093-CAT-C. GRCh37 (hg19) VCF-style: chr6-6182326-CAT-C.
Other names: c.1352_1353delAT (NM_000129.3); short protein forms H451fs.
Identifiers: ClinVar variation 561177 (VCV000561177.2), dbSNP rs1561645895, ClinGen allele CA891842693.